The following is an entry in ClinVar:

NM_006258.4(PRKG1):c.1030G>T (p.Asp344Tyr)

Gene: PRKG1 (protein kinase cGMP-dependent 1; plus strand). Cytogenetic location: 10q21.1.
Variant type: single nucleotide variant.
Coding change: c.1030G>T on transcript NM_006258.4 (MANE Select); coding-DNA position 1030, G replaced by T.
Protein change: p.Asp344Tyr; replaces aspartic acid 344 with tyrosine.
Molecular consequence: missense variant. On other transcripts: 5 prime UTR variant (1).
Genome position (GRCh38, 1-based): chr10:52,161,917, G>T. VCF-style: chr10-52161917-G-T. GRCh37 (hg19) VCF-style: chr10-53921677-G-T.
Other names: c.985G>T, p.Asp329Tyr (NM_001098512.3); c.-180G>T (NM_001374781.1); short protein forms D329Y, D344Y.
Identifiers: ClinVar variation 4769967 (VCV004769967.1).

ClinVar aggregate classification (germline): Uncertain significance (1 of 4 stars; one submission).

Conditions:
Aortic aneurysm, familial thoracic 8 (AAT8). Identifiers: MedGen C3809513, MONDO:0014187, OMIM 615436.

Submission:

Labcorp Genetics (formerly Invitae), Labcorp
Classification: Uncertain significance for Aortic aneurysm, familial thoracic 8. Last evaluated: 2025-12-28. Review status: criteria provided, single submitter. Criteria: Invitae Variant Classification Sherloc (09022015). Collection method: clinical testing. Allele origin: germline.
Comment: This sequence change replaces aspartic acid, which is acidic and polar, with tyrosine, which is neutral and polar, at codon 344 of the PRKG1 protein (p.Asp344Tyr). This variant is not present in population databases (gnomAD no frequency). This variant has not been reported in the literature in individuals affected with PRKG1-related conditions. An algorithm developed to predict the effect of missense changes on protein structure and function (PolyPhen-2) suggests that this variant is likely to be disruptive. In summary, the available evidence is currently insufficient to determine the role of this variant in disease. Therefore, it has been classified as a Variant of Uncertain Significance.